The following is an entry in ClinVar:

NM_024312.5(GNPTAB):c.2219_2220del (p.Leu740fs)

Gene: GNPTAB (N-acetylglucosamine-1-phosphate transferase subunits alpha and beta; minus strand). Cytogenetic location: 12q23.2.
Variant type: Deletion.
Coding change: c.2219_2220del on transcript NM_024312.5 (MANE Select); coding-DNA positions 2219 to 2220, 2 bases deleted (TG; older notation c.2219_2220delTG).
Protein change: p.Leu740fs; shifts the reading frame from leucine 740.
Molecular consequence: frameshift variant.
Genome position (GRCh38, 1-based): chr12:101,764,697-101,764,698, CA deleted on the plus strand (TG on the coding strand, the reverse complement: GNPTAB is on the minus strand). VCF-style (leftmost placement, unchanged base first): chr12-101764696-TCA-T. GRCh37 (hg19) VCF-style: chr12-102158474-TCA-T.
Other names: short protein forms L740fs.
Identifiers: ClinVar variation 1725537 (VCV001725537.3), dbSNP rs2547957216, ClinGen allele CA2580085670.

ClinVar aggregate classification (germline): Likely pathogenic (1 of 4 stars; one submission).

Conditions:
GNPTAB-mucolipidosis. Also called: UDP-N-acetylglucosamine-1-phosphotransferase subunit alpha/beta deficiency. Identifiers: MedGen CN322573, MONDO:0100122.

Submission:

Myriad Genetics, Inc.
Classification: Likely pathogenic for GNPTAB-mucolipidosis. Last evaluated: 2022-03-30. Review status: criteria provided, single submitter. Criteria: Myriad Autosomal Dominant, Autosomal Recessive and X-Linked Classification Criteria (2023). Collection method: clinical testing. Allele origin: unknown.
Comment: NM_024312.4(GNPTAB):c.2219_2220delTG(L740Hfs*7) is expected to be pathogenic in the context of GNPTAB-related disorders. This variant is predicted to lead to an abnormal or absent protein product due to the creation of a premature termination codon in GNPTAB, a gene where loss-of-function variants are known to be pathogenic. Please note: this variant was assessed in the context of healthy population screening.